The following is an entry in ClinVar:

ClinVar aggregate classification (germline): Uncertain significance (1 of 4 stars; one submission).

Submission:

Labcorp Genetics (formerly Invitae), Labcorp
Classification: Uncertain significance. Last evaluated: 2024-02-17. Review status: criteria provided, single submitter. Criteria: Invitae Variant Classification Sherloc (09022015). Collection method: clinical testing. Allele origin: germline.
Comment: This variant, c.1425_1426delinsTT, is a complex sequence change that results in the deletion of 1 and insertion of 1 amino acid(s) in the C6 protein (p.Val476Leu). Information on the frequency of this variant in the gnomAD database is not available, as this variant may be reported differently in the database. This variant has not been reported in the literature in individuals affected with C6-related conditions. ClinVar contains an entry for this variant (Variation ID: 1410744). Experimental studies and prediction algorithms are not available or were not evaluated, and the functional significance of this variant is currently unknown. In summary, the available evidence is currently insufficient to determine the role of this variant in disease. Therefore, it has been classified as a Variant of Uncertain Significance.

NM_000065.5(C6):c.1425_1426delinsTT (p.Val476Leu)

Gene: C6 (complement C6; minus strand). Cytogenetic location: 5p13.1.
Variant type: Indel.
Coding change: c.1425_1426delinsTT on transcript NM_000065.5 (MANE Select); coding-DNA positions 1425 to 1426, AG replaced by TT.
Protein change: p.Val476Leu; replaces valine 476 with leucine.
Molecular consequence: missense variant.
Genome position (GRCh38, 1-based): chr5:41,161,725-41,161,726, CT replaced by AA on the plus strand (AG replaced by TT on the coding strand, the reverse complement: C6 is on the minus strand). VCF-style: chr5-41161725-CT-AA. GRCh37 (hg19) VCF-style: chr5-41161827-CT-AA.
Other names: c.1425_1426delinsTT, p.Val476Leu (NM_001115131.4); short protein forms V476L.
Identifiers: ClinVar variation 1410744 (VCV001410744.6), dbSNP rs2150271726, ClinGen allele CA2573139634.